The following is an entry in ClinVar:

ClinVar aggregate classification (germline): Pathogenic (1 of 4 stars; one submission).

Conditions:
Inborn genetic diseases. Identifiers: MedGen C0950123, MeSH D030342.

Submission:

Ambry Genetics
Classification: Pathogenic for Inborn genetic diseases. Last evaluated: 2023-08-21. Review status: criteria provided, single submitter. Criteria: Ambry Variant Classification Scheme 2023. Collection method: clinical testing. Allele origin: germline.
Comment: The c.4414G>T (p.E1472*) alteration, located in exon 10 (coding exon 10) of the FMN2 gene, consists of a G to T substitution at nucleotide position 4414. This changes the amino acid from a glutamic acid (E) to a stop codon at amino acid position 1472. This alteration is expected to result in loss of function by premature protein truncation or nonsense-mediated mRNA decay. This variant was not reported in population-based cohorts in the Genome Aggregation Database (gnomAD). Based on the available evidence, this alteration is classified as pathogenic.

NM_020066.5(FMN2):c.4414G>T (p.Glu1472Ter)

Gene: FMN2 (formin 2; plus strand). Cytogenetic location: 1q43.
Variant type: single nucleotide variant.
Coding change: c.4414G>T on transcript NM_020066.5 (MANE Select); coding-DNA position 4414, G replaced by T.
Protein change: p.Glu1472Ter; replaces glutamic acid 1472 with a stop codon.
Molecular consequence: nonsense.
Genome position (GRCh38, 1-based): chr1:240,329,445, G>T. VCF-style: chr1-240329445-G-T. GRCh37 (hg19) VCF-style: chr1-240492745-G-T.
Other names: c.4426G>T, p.Glu1476Ter (NM_001305424.2); c.2335G>T, p.Glu779Ter (NM_001348094.2); short protein forms E1472*, E779*, E1476*.
Identifiers: ClinVar variation 2612470 (VCV002612470.2), dbSNP rs2103013785, ClinGen allele CA345656197.